The following is an entry in ClinVar:

NM_000548.5(TSC2):c.3271G>A (p.Gly1091Ser)

Gene: TSC2 (TSC complex subunit 2; plus strand). Cytogenetic location: 16p13.3.
Variant type: single nucleotide variant.
Coding change: c.3271G>A on transcript NM_000548.5 (MANE Select); coding-DNA position 3271, G replaced by A.
Protein change: p.Gly1091Ser; replaces glycine 1091 with serine.
Molecular consequence: missense variant.
Genome position (GRCh38, 1-based): chr16:2,079,415, G>A. VCF-style: chr16-2079415-G-A. GRCh37 (hg19) VCF-style: chr16-2129416-G-A.
Other names: p.G1091S:GGC>AGC; c.3271G>A (NM_000548.4); c.3139G>A, p.Gly1047Ser (NM_001077183.3, NM_001370404.1); c.3271G>A, p.Gly1091Ser (NM_001114382.3); c.3031G>A, p.Gly1011Ser (NM_001318827.2); c.2995G>A, p.Gly999Ser (NM_001318829.2); c.2539G>A, p.Gly847Ser (NM_001318831.2); c.3172G>A, p.Gly1058Ser (NM_001318832.2); and 1 more; short protein forms G1091S, G1047S, G1058S, G1048S, G847S, G999S, G1011S.
Identifiers: ClinVar variation 207743 (VCV000207743.23), dbSNP rs796053493, ClinGen allele CA319506.

ClinVar aggregate classification (germline): Conflicting classifications of pathogenicity. Review status: criteria provided, conflicting classifications (1 of 4 stars). 7 submissions from 7 submitters: Uncertain significance (2); Benign (1); Likely benign (4). Last evaluated 2026-05-22.

Conditions:
TSC2-related disorder. Also called: TSC2-Related Disorders; TSC2-related condition.
Hereditary cancer-predisposing syndrome. Also called: Hereditary Cancer Syndrome; Neoplastic Syndromes, Hereditary; Tumor predisposition; Hereditary neoplastic syndrome. Identifiers: Orphanet 140162, MedGen C0027672, MeSH D009386, MONDO:0015356.
Tuberous sclerosis syndrome (TSC). Also called: Tuberous sclerosis; Tuberous Sclerosis Complex. Identifiers: Orphanet 805, MedGen C0041341, MONDO:0001734.
Tuberous sclerosis 2 (TSC2). Identifiers: Orphanet 805, MedGen C1860707, MONDO:0013199, OMIM 613254.

Allele frequency attached by ClinVar (database versions not stated): TOPMed 0.00001.
gnomAD v4.1: 20 of 1,611,572 alleles (0.0012%); highest among the groups gnomAD compares: African/African-American, 0.0027%; no homozygotes.

Submissions (7):

PreventionGenetics, part of Exact Sciences
Classification: Likely benign for TSC2-related condition. Last evaluated: 2026-05-22. Review status: criteria provided, single submitter. Criteria: ACMG Guidelines, 2015. Collection method: clinical testing. Allele origin: germline.
Comment: This variant is classified as likely benign based on ACMG/AMP sequence variant interpretation guidelines (Richards et al. 2015 PMID: 25741868, with internal and published modifications).

Labcorp Genetics (formerly Invitae), Labcorp
Classification: Benign for Tuberous sclerosis 2. Last evaluated: 2026-01-06. Review status: criteria provided, single submitter. Criteria: Invitae Variant Classification Sherloc (09022015). Collection method: clinical testing. Allele origin: germline.

Blueprint Genetics
Classification: Likely benign. Last evaluated: 2024-08-20. Review status: criteria provided, single submitter. Criteria: ACMG Guidelines, 2015. Collection method: clinical testing. Allele origin: germline.

Color Diagnostics, LLC DBA Color Health
Classification: Uncertain significance for Tuberous sclerosis syndrome. Last evaluated: 2024-05-01. Review status: criteria provided, single submitter. Criteria: ACMG Guidelines, 2015. Collection method: clinical testing. Allele origin: germline.
Comment: This missense variant replaces glycine with serine at codon 1091 of the TSC2 protein. Computational prediction suggests that this variant may not impact protein structure and function. To our knowledge, functional studies have not been reported for this variant. This variant has not been reported in individuals affected with tuberous sclerosis complex in the literature. This variant has been identified in 1/249428 chromosomes in the general population by the Genome Aggregation Database (gnomAD). The available evidence is insufficient to determine the role of this variant in disease conclusively. Therefore, this variant is classified as a Variant of Uncertain Significance.

Ambry Genetics
Classification: Likely benign for Hereditary cancer-predisposing syndrome. Last evaluated: 2023-03-27. Review status: criteria provided, single submitter. Criteria: Ambry Variant Classification Scheme 2023. Collection method: clinical testing. Allele origin: germline.

Genome-Nilou Lab
Classification: Likely benign for Tuberous sclerosis 2. Last evaluated: 2021-11-07. Review status: criteria provided, single submitter. Criteria: ACMG Guidelines, 2015. Collection method: clinical testing. Allele origin: germline. Affected: no.

GeneDx
Classification: Uncertain significance. Last evaluated: 2019-06-24. Review status: criteria provided, single submitter. Criteria: GeneDx Variant Classification Process June 2021. Collection method: clinical testing. Allele origin: germline. Affected: yes.
Comment: In silico analysis, which includes protein predictors and evolutionary conservation, supports that this variant does not alter protein structure/function; Has not been previously published as pathogenic or benign to our knowledge